The following is an entry in ClinVar:

ClinVar aggregate classification (germline): Likely benign (0 of 4 stars; one submission).

Conditions:
DCHS1-related disorder. Also called: DCHS1-related condition.

Allele frequency attached by ClinVar (database versions not stated): ExAC 0.00006.
gnomAD v4.1: 5 of 1,550,794 alleles (0.00032%); highest among the groups gnomAD compares: Non-Finnish European, 0.00043%; no homozygotes.

Submission:

PreventionGenetics, part of Exact Sciences
Classification: Likely benign for DCHS1-related condition. Last evaluated: 2024-01-22. Review status: no assertion criteria provided. Collection method: clinical testing. Allele origin: germline.
Comment: This variant is classified as likely benign based on ACMG/AMP sequence variant interpretation guidelines (Richards et al. 2015 PMID: 25741868, with internal and published modifications).

NM_003737.4(DCHS1):c.4557C>G (p.Pro1519=)

Gene: DCHS1 (dachsous cadherin-related 1; minus strand). Cytogenetic location: 11p15.4.
Variant type: single nucleotide variant.
Coding change: c.4557C>G on transcript NM_003737.4 (MANE Select); coding-DNA position 4557, C replaced by G.
Protein change: p.Pro1519=; no amino-acid change (proline 1519 retained).
Molecular consequence: synonymous variant.
Genome position (GRCh38, 1-based): chr11:6,630,237, G>C on the plus strand (C>G on the coding strand, the complement: DCHS1 is on the minus strand). VCF-style: chr11-6630237-G-C. GRCh37 (hg19) VCF-style: chr11-6651468-G-C.
Identifiers: ClinVar variation 3052386 (VCV003052386.2), dbSNP rs759965401, ClinGen allele CA5860323.